The following is an entry in ClinVar:

ClinVar aggregate classification (germline): Uncertain significance (1 of 4 stars; one submission).

Conditions:
Gastrointestinal stromal tumor. Also called: Gastrointestinal stromal tumor, somatic; Gastrointestinal stroma tumor. Identifiers: Orphanet 44890, MedGen C0238198, MeSH D046152, MONDO:0011719, OMIM 606764, HP:0100723.

Submission:

Labcorp Genetics (formerly Invitae), Labcorp
Classification: Uncertain significance for Gastrointestinal stromal tumor. Last evaluated: 2019-08-23. Review status: criteria provided, single submitter. Criteria: Invitae Variant Classification Sherloc (09022015). Collection method: clinical testing. Allele origin: germline.
Comment: The current clinical and genetic evidence is not sufficient to establish whether loss-of-function variants in PDGFRA cause disease. This variant has not been reported in the literature in individuals with PDGFRA-related conditions. This variant is not present in population databases (ExAC no frequency). This sequence change creates a premature translational stop signal (p.Met773Valfs*12) in the PDGFRA gene. It is expected to result in an absent or disrupted protein product. In summary, the available evidence is currently insufficient to determine the role of this variant in disease. Therefore, it has been classified as a Variant of Uncertain Significance.

NM_006206.6(PDGFRA):c.2317_2318del (p.Met773fs)

Gene: PDGFRA (platelet derived growth factor receptor alpha; plus strand). Cytogenetic location: 4q12.
Variant type: Deletion.
Coding change: c.2317_2318del on transcript NM_006206.6 (MANE Select); coding-DNA positions 2317 to 2318, 2 bases deleted (AT; older notation c.2317_2318delAT).
Protein change: p.Met773fs; shifts the reading frame from methionine 773.
Molecular consequence: frameshift variant.
Genome position (GRCh38, 1-based): chr4:54,280,476-54,280,477, AT deleted; deleting any 2 consecutive bases within chr4:54,280,475-54,280,477 gives the same sequence; the c. name uses the placement nearest the transcript's 3' end. VCF-style (leftmost placement, unchanged base first): chr4-54280474-CTA-C. GRCh37 (hg19) VCF-style: chr4-55146641-CTA-C.
Other names: c.2317_2318del, p.Met773fs (NM_001347827.2, NM_001347829.2); c.2392_2393del, p.Met798fs (NM_001347828.2); c.2356_2357del, p.Met786fs (NM_001347830.2); short protein forms M786fs, M773fs, M798fs.
Identifiers: ClinVar variation 938171 (VCV000938171.8), dbSNP rs1724016830, ClinGen allele CA1139658503.